The following continues an entry in ClinVar:

NM_002834.5(PTPN11):c.1492C>T (p.Arg498Trp)

Gene: PTPN11. ClinVar aggregate classification (germline): Pathogenic/Likely pathogenic. Pathogenic (32); Likely pathogenic (1). ClinVar aggregate classification (somatic clinical impact): Tier II - Potential. ClinVar aggregate classification (oncogenicity): Oncogenic.

Submissions 20 to 37 of 37:

Ambry Genetics
Classification: Pathogenic for Cardiovascular phenotype. Last evaluated: 2023-04-11. Review status: criteria provided, single submitter. Criteria: Ambry Variant Classification Scheme 2023. Collection method: clinical testing. Allele origin: germline.
Comment: The p.R498W pathogenic mutation (also known as c.1492C>T), located in coding exon 13 of the PTPN11 gene, results from a C to T substitution at nucleotide position 1492. The arginine at codon 498 is replaced by tryptophan, an amino acid with dissimilar properties. This variant has been detected in multiple unrelated individuals reported to have Noonan syndrome (NS) or Noonan syndrome with multiple lentigines (NSML) or features consistent with NS/NSML, including reported de novo occurrences, and has been reported to segregate with disease features in families (Sarkozy A et al. J Med Genet, 2004 May;41:e68; Kratz CP et al. Blood, 2005 Sep;106:2183-5; Lepri FR et al. BMC Med Genet, 2014 Jan;15:14; Edwards JJ et al. Am J Med Genet A, 2014 Sep;164A:2351-5; Ramos-Geldres TT et al. Actas Dermosifiliogr, 2015 May;106:e19-22; Bademci G et al. Sci Rep, 2016 Aug;6:31622; Hakami F et al. Prenat Diagn, 2016 May;36:418-23; McDonald BS et al. Clin Exp Dermatol, 2018 Apr;43:357-359; Bulteel C et al. JAAD Case Rep, 2018 May;4:390-391; Giugliano T et al. Genes (Basel), 2019 Jul;10; Li X et al. Clin Genet, 2019 Oct;96:290-299; Bessis D et al. Br J Dermatol, 2019 Jun;180:1438-1448; Kauffman H et al. Pediatr Res, 2021 Aug;90:444-451; Swarts JW et al. Am J Med Genet A, 2022 Nov;188:3242-3261). In addition, this alteration is predicted to be deleterious by in silico analysis. Based on the supporting evidence, this variant is expected to be causative of PTPN11-related RASopathy; however, its clinical significance for metachondromatosis is unclear.

Institute for Genomic Medicine (IGM) Clinical Laboratory, Nationwide Children's Hospital
Classification: Tier II - Potential for Diffuse midline glioma, H3 K27M-mutant. Assertion type: diagnostic. Clinical significance: supports diagnosis. Last evaluated: 2023-03-06. Review status: criteria provided, single submitter. Criteria: AMP/ASCO/CAP Guidelines, 2017. Collection method: clinical testing. Allele origin: somatic. Affected: yes.
Comment: Variant has Tier II (potential) clinical significance as a diagnostic inclusion criterion in diffuse midline glioma, H3 K27M-mutant, based on the following evidence: 1) Documented in one or more cancer databases (e.g., St. Jude Pecan, COSMIC, CIViC, OncoKB). 2) Diagnostic significance based on multiple small studies (Evidence Level C; PMIDs: 28966033, 29763623, 28912153, 35697228).

Mayo Clinic Laboratories, Mayo Clinic
Classification: Pathogenic. Last evaluated: 2023-01-11. Review status: criteria provided, single submitter. Criteria: ACMG Guidelines, 2015. Collection method: clinical testing. Allele origin: germline. Observed: 8 variant alleles.
Comment: PP2, PP3, PM5, PS2, PS3_moderate, PS4

Revvity Omics, Revvity
Classification: Pathogenic. Last evaluated: 2022-08-12. Review status: criteria provided, single submitter. Criteria: ACMG Guidelines, 2015. Collection method: clinical testing. Allele origin: germline.

GeneDx
Classification: Pathogenic. Last evaluated: 2022-01-05. Review status: criteria provided, single submitter. Criteria: GeneDx Variant Classification Process June 2021. Collection method: clinical testing. Allele origin: germline. Affected: yes.
Comment: Published functional studies demonstrate that the resulting protein is catalytically impaired, has significantly reduced basal activity, and has a reduced response to stimulation with phosphotyrosol (Edwards et al., 2014); In silico analysis, which includes protein predictors and evolutionary conservation, supports a deleterious effect; The majority of missense variants in this gene are considered pathogenic (HGMD); This variant is associated with the following publications: (PMID: 29693080, 17056636, 30417923, 30732632, 32059087, 15121796, 24891296, 23239957, 16369799, 15928039, 20301557, 27562378, 24803665, 29356064, 29988639, 21533187, 9222968, 27521173, 11704759, 12960218, 19206169, 21500339, 24935154, 17875892, 18241070, 17339163, 26918529, 31219622, 22190897, 31370276, 33318624, 34008892, 32746448, 33726816, 29493581, 27535533)

Fulgent Genetics
Classification: Pathogenic for LEOPARD syndrome 1; Metachondromatosis; Noonan syndrome 1; Juvenile myelomonocytic leukemia. Last evaluated: 2021-10-26. Review status: criteria provided, single submitter. Criteria: ACMG Guidelines, 2015. Collection method: clinical testing. Allele origin: unknown.

Laboratory of Medical Genetics, National & Kapodistrian University of Athens
Classification: Pathogenic for Noonan syndrome 1. Last evaluated: 2021-10-01. Review status: criteria provided, single submitter. Criteria: ACMG Guidelines, 2015. Collection method: clinical testing. Allele origin: maternal. Affected: yes.
Comment: PM1, PM2, PM5, PP2, PP3, PP5

CeGaT Center for Human Genetics Tuebingen
Classification: Pathogenic. Last evaluated: 2021-01-01. Review status: criteria provided, single submitter. Criteria: CeGaT Center For Human Genetics Tuebingen Variant Classification Criteria Version 2. Collection method: clinical testing. Allele origin: germline. Affected: yes. Observed: 2 variant alleles.

Genome Diagnostics Laboratory, The Hospital for Sick Children
Classification: Pathogenic for Noonan syndrome and Noonan-related syndrome. Last evaluated: 2020-06-01. Review status: criteria provided, single submitter. Criteria: ACMG Guidelines, 2015. Collection method: clinical testing. Allele origin: germline. Affected: yes.

Centre for Mendelian Genomics, University Medical Centre Ljubljana
Classification: Pathogenic for LEOPARD syndrome 1. Last evaluated: 2019-08-27. Review status: criteria provided, single submitter. Criteria: ACMG Guidelines, 2015. Collection method: clinical testing. Allele origin: unknown. Affected: yes.
Comment: This variant was classified as: Pathogenic. The following ACMG criteria were applied in classifying this variant: PS1,PS3,PM2,PP3.

Institute of Human Genetics, University of Leipzig Medical Center
Classification: Pathogenic for Noonan syndrome 1. Last evaluated: 2018-11-13. Review status: criteria provided, single submitter. Criteria: ACMG Guidelines, 2015. Collection method: clinical testing. Allele origin: germline. Affected: yes. Observed: 1 variant allele.

Laboratory for Molecular Medicine, Mass General Brigham Personalized Medicine
Classification: Pathogenic for Noonan syndrome; Noonan syndrome with multiple lentigines. Last evaluated: 2016-10-06. Review status: criteria provided, single submitter. Criteria: LMM Criteria. Collection method: clinical testing. Allele origin: germline. Observed: 12 variant alleles.
Comment: The p.Arg498Trp variant in PTPN11 has been identified in at least 10 individuals with clinical features of LEOPARD syndrome (LS) or Noonan syndrome with or with out myeloproliferative disorder, and segregated with clinical features in famili es (NS/MPD; Kratz 2005, Kratz 2006, Sarkozy 2004, LMM data). It has not been ide ntified in large population studies. Missense variants in PTPN11 are strongly as sociated with Noonan spectrum disorders, and another variant (p.Arg498Leu) affec ting the same amino acid residue is known pathogenic. In summary, this variant m eets criteria to be classified as pathogenic for autosomal dominant Noonan spect rum disorders.

Centre de Biologie Pathologie Génétique, Centre Hospitalier Universitaire de Lille
Classification: Pathogenic for Noonan syndrome 1. Review status: criteria provided, single submitter. Criteria: ACMG Guidelines, 2015. Collection method: clinical testing. Allele origin: de novo. Affected: yes.

Clinical Genetics Service, Universitary Hospital 12 de Octubre
Classification: Pathogenic for Noonan syndrome 1. Review status: criteria provided, single submitter. Criteria: ACMG Guidelines, 2015. Collection method: clinical testing. Allele origin: paternal. Affected: yes.

Institute of Human Genetics, Medical University Innsbruck
Classification: Pathogenic for Cardiovascular phenotype. Review status: criteria provided, single submitter. Criteria: ACMG Guidelines, 2015. Collection method: clinical testing. Allele origin: germline. Affected: yes.

Juno Genomics, Hangzhou Juno Genomics, Inc
Classification: Pathogenic for Juvenile myelomonocytic leukemia; LEOPARD syndrome 1; Metachondromatosis; Noonan syndrome 1. Review status: criteria provided, single submitter. Criteria: ACMG Guidelines, 2015. Collection method: clinical testing. Allele origin: germline. Affected: yes.
Comment: Missense variant in a gene that has a low rate of benign missense variation.;Multiple lines of computational evidence support a deleterious effect on the gene or gene product.;Assumed de novo, but without confirmation of paternity and maternity.;The prevalence of the variant in affected individuals is significantly increased compared to the prevalence in controls.;Novel missense change at an amino acid residue where a different missense change determined to be pathogenic has been seen before.

Baylor Genetics
Classification: Pathogenic for Rasopathy. Review status: no assertion criteria provided. Collection method: clinical testing. Allele origin: unknown. Affected: yes. Not counted in ClinVar's aggregate classification.
Comment: Variant classified using ACMG guidelines

GeneReviews
No classification provided. Condition: LEOPARD syndrome 1. Review status: no classification provided. Collection method: literature only. Allele origin: unknown. Not counted in ClinVar's aggregate classification.

Literature cited by the submitters: PubMed 24891296 (cited by 7 submitters); PubMed 15121796 (cited by 9 submitters); PubMed 22190897 (cited by 4 submitters); PubMed 27562378 (cited by 3 submitters); PubMed 17339163 (cited by Labcorp Genetics (formerly Invitae), Labcorp); PubMed 17875892 (cited by Labcorp Genetics (formerly Invitae), Labcorp); PubMed 18241070 (cited by Labcorp Genetics (formerly Invitae), Labcorp and Women's Health and Genetics/Laboratory Corporation of America, LabCorp); PubMed 24935154 (cited by Labcorp Genetics (formerly Invitae), Labcorp and Victorian Clinical Genetics Services, Murdoch Childrens Research Institute); PubMed 26918529 (cited by 3 submitters); PubMed 30732632 (cited by 3 submitters); PubMed 39669259 (cited by Variantyx, Inc.); PubMed 40225944 (cited by Variantyx, Inc.); uncertain (cited by Clinical Genomics Laboratory, Washington University in St. Louis); PubMed 15385933 (cited by Women's Health and Genetics/Laboratory Corporation of America, LabCorp); PubMed 14644997 (cited by Women's Health and Genetics/Laboratory Corporation of America, LabCorp); PubMed 18505544 (cited by Women's Health and Genetics/Laboratory Corporation of America, LabCorp); PubMed 16987887 (cited by Women's Health and Genetics/Laboratory Corporation of America, LabCorp); PubMed 19768645 (cited by Women's Health and Genetics/Laboratory Corporation of America, LabCorp); PubMed 25097206 (cited by Women's Health and Genetics/Laboratory Corporation of America, LabCorp); PubMed 19047918 (cited by Women's Health and Genetics/Laboratory Corporation of America, LabCorp); PubMed 19179468 (cited by Women's Health and Genetics/Laboratory Corporation of America, LabCorp); PubMed 17972951 (cited by Women's Health and Genetics/Laboratory Corporation of America, LabCorp); PubMed 15710330 (cited by Women's Health and Genetics/Laboratory Corporation of America, LabCorp); PubMed 25395418 (cited by Women's Health and Genetics/Laboratory Corporation of America, LabCorp); PubMed 27276561 (cited by Women's Health and Genetics/Laboratory Corporation of America, LabCorp); PubMed 32561839 (cited by Women's Health and Genetics/Laboratory Corporation of America, LabCorp); PubMed 27069254 (cited by Women's Health and Genetics/Laboratory Corporation of America, LabCorp); PubMed 15928039 (cited by 3 submitters); PubMed 29493581 (cited by Dasa); PubMed 11992261 (cited by Victorian Clinical Genetics Services, Murdoch Childrens Research Institute); PubMed 21533187 (cited by Victorian Clinical Genetics Services, Murdoch Childrens Research Institute); PubMed 16369799 (cited by 3 submitters); PubMed 24451042 (cited by Ambry Genetics); PubMed 25544017 (cited by Ambry Genetics); PubMed 29356064 (cited by Ambry Genetics); PubMed 29693080 (cited by Ambry Genetics); PubMed 30417923 (cited by Ambry Genetics and Mayo Clinic Laboratories, Mayo Clinic); PubMed 31219622 (cited by Ambry Genetics and Mayo Clinic Laboratories, Mayo Clinic); PubMed 31370276 (cited by Ambry Genetics and Mayo Clinic Laboratories, Mayo Clinic); PubMed 32746448 (cited by Ambry Genetics and Mayo Clinic Laboratories, Mayo Clinic); PubMed 33318624 (cited by Ambry Genetics and Mayo Clinic Laboratories, Mayo Clinic); PubMed 34008892 (cited by 3 submitters); PubMed 35979676 (cited by Ambry Genetics); PubMed 36567979 (cited by Ambry Genetics); PubMed 28966033 (cited by Institute for Genomic Medicine (IGM) Clinical Laboratory, Nationwide Children's Hospital); PubMed 29763623 (cited by Institute for Genomic Medicine (IGM) Clinical Laboratory, Nationwide Children's Hospital); PubMed 28912153 (cited by Institute for Genomic Medicine (IGM) Clinical Laboratory, Nationwide Children's Hospital); PubMed 35697228 (cited by Institute for Genomic Medicine (IGM) Clinical Laboratory, Nationwide Children's Hospital); PubMed 16523510 (cited by Mayo Clinic Laboratories, Mayo Clinic); PubMed 24803665 (cited by Mayo Clinic Laboratories, Mayo Clinic); PubMed 20301557 (cited by GeneReviews); NCBI Bookshelf NBK1383 (cited by GeneReviews).